The following is an entry in ClinVar:

NM_006734.4(HIVEP2):c.3042C>A (p.Tyr1014Ter)

Gene: HIVEP2 (HIVEP zinc finger 2; minus strand). Cytogenetic location: 6q24.2.
Variant type: single nucleotide variant.
Coding change: c.3042C>A on transcript NM_006734.4 (MANE Select); coding-DNA position 3042, C replaced by A.
Protein change: p.Tyr1014Ter; replaces tyrosine 1014 with a stop codon.
Molecular consequence: nonsense.
Genome position (GRCh38, 1-based): chr6:142,771,697, G>T on the plus strand (C>A on the coding strand, the complement: HIVEP2 is on the minus strand). VCF-style: chr6-142771697-G-T. GRCh37 (hg19) VCF-style: chr6-143092834-G-T.
Other names: short protein forms Y1014*.
Identifiers: ClinVar variation 2121683 (VCV002121683.4), dbSNP rs556673375, ClinGen allele CA365907532.

ClinVar aggregate classification (germline): Pathogenic (1 of 4 stars; one submission).

Submission:

Labcorp Genetics (formerly Invitae), Labcorp
Classification: Pathogenic. Last evaluated: 2022-07-07. Review status: criteria provided, single submitter. Criteria: Invitae Variant Classification Sherloc (09022015). Collection method: clinical testing. Allele origin: germline.
Comment: This sequence change creates a premature translational stop signal (p.Tyr1014*) in the HIVEP2 gene. It is expected to result in an absent or disrupted protein product. Loss-of-function variants in HIVEP2 are known to be pathogenic (PMID: 27003583). This variant is not present in population databases (gnomAD no frequency). This variant has not been reported in the literature in individuals affected with HIVEP2-related conditions. For these reasons, this variant has been classified as Pathogenic.

Literature cited by the submitters: PubMed 27003583.